The following is an entry in ClinVar:

NM_182641.4(BPTF):c.6817G>A (p.Ala2273Thr)

Gene: BPTF (bromodomain PHD finger transcription factor; plus strand). Cytogenetic location: 17q24.2.
Variant type: single nucleotide variant.
Coding change: c.6817G>A on transcript NM_182641.4 (MANE Select); coding-DNA position 6817, G replaced by A.
Protein change: p.Ala2273Thr; replaces alanine 2273 with threonine.
Molecular consequence: missense variant.
Genome position (GRCh38, 1-based): chr17:67,945,525, G>A. VCF-style: chr17-67945525-G-A. GRCh37 (hg19) VCF-style: chr17-65941641-G-A.
Other names: c.7195G>A, p.Ala2399Thr (NM_004459.7); short protein forms A2273T, A2399T.
Identifiers: ClinVar variation 3719138 (VCV003719138.2).

ClinVar aggregate classification (germline): Uncertain significance (1 of 4 stars; one submission).

gnomAD v4.1: 10 of 1,613,786 alleles (0.00062%); highest among the groups gnomAD compares: African/African-American, 0.0093%; no homozygotes.

Submission:

Labcorp Genetics (formerly Invitae), Labcorp
Classification: Uncertain significance. Last evaluated: 2024-05-16. Review status: criteria provided, single submitter. Criteria: Invitae Variant Classification Sherloc (09022015). Collection method: clinical testing. Allele origin: germline.
Comment: This sequence change replaces alanine, which is neutral and non-polar, with threonine, which is neutral and polar, at codon 2399 of the BPTF protein (p.Ala2399Thr). This variant is present in population databases (rs547981853, gnomAD 0.01%). This variant has not been reported in the literature in individuals affected with BPTF-related conditions. An algorithm developed to predict the effect of missense changes on protein structure and function (PolyPhen-2) suggests that this variant is likely to be tolerated. In summary, the available evidence is currently insufficient to determine the role of this variant in disease. Therefore, it has been classified as a Variant of Uncertain Significance.